The following is an entry in ClinVar:

ClinVar aggregate classification (germline): Uncertain significance (1 of 4 stars; one submission).

Conditions:
Immunodeficiency, common variable, 7. Identifiers: Orphanet 1572, Orphanet 696894, MedGen C3542922, MONDO:0013862, OMIM 614699.

Allele frequency attached by ClinVar (database versions not stated): gnomAD exomes below 0.00001.

Submission:

Labcorp Genetics (formerly Invitae), Labcorp
Classification: Uncertain significance for Immunodeficiency, common variable, 7. Last evaluated: 2021-12-27. Review status: criteria provided, single submitter. Criteria: Invitae Variant Classification Sherloc (09022015). Collection method: clinical testing. Allele origin: germline.
Comment: This sequence change replaces serine, which is neutral and polar, with arginine, which is basic and polar, at codon 62 of the CR2 protein (p.Ser62Arg). This variant is present in population databases (no rsID available, gnomAD 0.006%). This variant has not been reported in the literature in individuals affected with CR2-related conditions. Algorithms developed to predict the effect of missense changes on protein structure and function output the following: SIFT: "Tolerated"; PolyPhen-2: "Benign"; Align-GVGD: "Class C0". The arginine amino acid residue is found in multiple mammalian species, which suggests that this missense change does not adversely affect protein function. In summary, the available evidence is currently insufficient to determine the role of this variant in disease. Therefore, it has been classified as a Variant of Uncertain Significance.

NM_001006658.3(CR2):c.184A>C (p.Ser62Arg)

Gene: CR2 (complement C3d receptor 2; plus strand). Cytogenetic location: 1q32.2.
Variant type: single nucleotide variant.
Coding change: c.184A>C on transcript NM_001006658.3 (MANE Select); coding-DNA position 184, A replaced by C.
Protein change: p.Ser62Arg; replaces serine 62 with arginine.
Molecular consequence: missense variant.
Genome position (GRCh38, 1-based): chr1:207,466,651, A>C. VCF-style: chr1-207466651-A-C. GRCh37 (hg19) VCF-style: chr1-207639996-A-C.
Other names: c.184A>C, p.Ser62Arg (NM_001877.5); short protein forms S62R.
Identifiers: ClinVar variation 1960378 (VCV001960378.5), dbSNP rs1319331048, ClinGen allele CA344522883.